The following is an entry in ClinVar:

ClinVar aggregate classification (germline): Uncertain significance (1 of 4 stars; one submission).

Conditions:
Retinitis pigmentosa 73 (RP73). Identifiers: Orphanet 791, MedGen C4225287, MONDO:0014687, OMIM 616544.
Mucopolysaccharidosis, MPS-III-C (MPS3C). Also called: MPS IIIC (Sanfilippo Syndrome Type C); MUCOPOLYSACCHARIDOSIS, TYPE IIIC; Mucopolysaccharidosis type IIIC (Sanfilippo C); SANFILIPPO SYNDROME C; MPS III C; mucopolysaccharidosis type 3C. Identifiers: Orphanet 581, Orphanet 79271, MedGen C0086649, MONDO:0009657, OMIM 252930.

Allele frequency attached by ClinVar (database versions not stated): gnomAD exomes below 0.00001.
gnomAD v4.1: 1 of 1,605,820 alleles (0.000062%); highest among the groups gnomAD compares: Non-Finnish European, 0.000085%; no homozygotes.

Submission:

Labcorp Genetics (formerly Invitae), Labcorp
Classification: Uncertain significance for Retinitis pigmentosa 73; Mucopolysaccharidosis, MPS-III-C. Last evaluated: 2021-09-13. Review status: criteria provided, single submitter. Criteria: Invitae Variant Classification Sherloc (09022015). Collection method: clinical testing. Allele origin: germline.
Comment: In summary, the available evidence is currently insufficient to determine the role of this variant in disease. Therefore, it has been classified as a Variant of Uncertain Significance. Algorithms developed to predict the effect of sequence changes on RNA splicing suggest that this variant may create or strengthen a splice site. This variant has not been reported in the literature in individuals affected with HGSNAT-related conditions. This variant is not present in population databases (ExAC no frequency). This sequence change affects codon 125 of the HGSNAT mRNA. It is a 'silent' change, meaning that it does not change the encoded amino acid sequence of the HGSNAT protein.

NM_152419.3(HGSNAT):c.375G>A (p.Leu125=)

Gene: HGSNAT (heparan-alpha-glucosaminide N-acetyltransferase; plus strand). Cytogenetic location: 8p11.21.
Variant type: single nucleotide variant.
Coding change: c.375G>A on transcript NM_152419.3 (MANE Select); coding-DNA position 375, G replaced by A.
Protein change: p.Leu125=; no amino-acid change (leucine 125 retained).
Molecular consequence: synonymous variant. On other transcripts: 5 prime UTR variant (1).
Genome position (GRCh38, 1-based): chr8:43,158,926, G>A. VCF-style: chr8-43158926-G-A. GRCh37 (hg19) VCF-style: chr8-43014069-G-A.
Other names: c.375G>A, p.Leu125= (NM_001363227.2, NM_001363228.2); c.-459G>A (NM_001363229.2).
Identifiers: ClinVar variation 1380910 (VCV001380910.6), dbSNP rs2130715134, ClinGen allele CA460577392.